The following is an entry in ClinVar:

ClinVar aggregate classification (germline): Uncertain significance (1 of 4 stars; one submission).

Submission:

GeneDx
Classification: Uncertain significance. Last evaluated: 2022-05-20. Review status: criteria provided, single submitter. Criteria: GeneDx Variant Classification Process June 2021. Collection method: clinical testing. Allele origin: germline. Affected: yes.
Comment: Not observed at significant frequency in large population cohorts (gnomAD); In silico analysis supports that this missense variant has a deleterious effect on protein structure/function; Has not been previously published as pathogenic or benign to our knowledge

NM_002397.5(MEF2C):c.82T>G (p.Leu28Val)

Gene: MEF2C (myocyte enhancer factor 2C; minus strand). Cytogenetic location: 5q14.3.
Variant type: single nucleotide variant.
Coding change: c.82T>G on transcript NM_002397.5 (MANE Select); coding-DNA position 82, T replaced by G.
Protein change: p.Leu28Val; replaces leucine 28 with valine.
Molecular consequence: missense variant.
Genome position (GRCh38, 1-based): chr5:88,804,774, A>C on the plus strand (T>G on the coding strand, the complement: MEF2C is on the minus strand). VCF-style: chr5-88804774-A-C. GRCh37 (hg19) VCF-style: chr5-88100591-A-C.
Other names: c.82T>G, p.Leu28Val (NM_001131005.2, NM_001193347.1, NM_001193348.1 and 29 more transcripts); short protein forms L28V.
Identifiers: ClinVar variation 1800583 (VCV001800583.1), dbSNP rs2531288763, ClinGen allele CA360425168.
Genomic context (GRCh38, chr5:88,804,774, plus strand): 5'-AGATGATCAGCGCAATCTCACAGTCACACAGCACGCTCAGCTCATAAGCCTTCTTCATCA[A>C]CCCAAATTTCCTCTTTGTAAATGTCACCTAGAAAAAAGAAAGCAGCCAAGATTTTTTAAA-3'
Protein context (NP_002388.2, residues 18-38): QVTFTKRKFG[Leu28Val]MKKAYELSVL